The following is an entry in ClinVar:

ClinVar aggregate classification (germline): Uncertain significance. Review status: criteria provided, multiple submitters, no conflicts (2 of 4 stars). 2 submissions from 2 submitters: Uncertain significance (2). Last evaluated 2024-06-28.

Conditions:
Hereditary cancer-predisposing syndrome. Also called: Neoplastic Syndromes, Hereditary; Hereditary neoplastic syndrome; Tumor predisposition; Hereditary Cancer Syndrome. Identifiers: Orphanet 140162, MedGen C0027672, MeSH D009386, MONDO:0015356.
Gastrointestinal stromal tumor. Also called: Gastrointestinal stromal tumor, somatic; Gastrointestinal stroma tumor. Identifiers: Orphanet 44890, MedGen C0238198, MeSH D046152, MONDO:0011719, OMIM 606764, HP:0100723.

Submissions (2):

Ambry Genetics
Classification: Uncertain significance for Hereditary cancer-predisposing syndrome. Last evaluated: 2024-06-28. Review status: criteria provided, single submitter. Criteria: Ambry Variant Classification Scheme 2023. Collection method: clinical testing. Allele origin: germline.
Comment: The p.S397Y variant (also known as c.1190C>A), located in coding exon 7 of the KIT gene, results from a C to A substitution at nucleotide position 1190. The serine at codon 397 is replaced by tyrosine, an amino acid with dissimilar properties. This amino acid position is conserved. In addition, this alteration is predicted to be tolerated by in silico analysis. Based on the available evidence, the clinical significance of this variant remains unclear.

Baylor Genetics
Classification: Uncertain significance for Gastrointestinal stromal tumor. Last evaluated: 2023-08-28. Review status: criteria provided, single submitter. Criteria: ACMG Guidelines, 2015. Collection method: clinical testing. Allele origin: unknown.

NM_000222.3(KIT):c.1190C>A (p.Ser397Tyr)

Gene: KIT (KIT proto-oncogene, receptor tyrosine kinase; plus strand). Cytogenetic location: 4q12.
Variant type: single nucleotide variant.
Coding change: c.1190C>A on transcript NM_000222.3 (MANE Select); coding-DNA position 1190, C replaced by A.
Protein change: p.Ser397Tyr; replaces serine 397 with tyrosine.
Molecular consequence: missense variant.
Genome position (GRCh38, 1-based): chr4:54,709,498, C>A. VCF-style: chr4-54709498-C-A. GRCh37 (hg19) VCF-style: chr4-55575664-C-A.
Other names: c.1190C>A, p.Ser397Tyr (NM_001093772.2, NM_001385285.1, NM_001385286.1); c.1193C>A, p.Ser398Tyr (NM_001385284.1, NM_001385288.1, NM_001385290.1 and 1 more transcripts); short protein forms S397Y, S398Y.
Identifiers: ClinVar variation 2676215 (VCV002676215.2), dbSNP rs2109714289, ClinGen allele CA356902469.